The following is an entry in ClinVar:

ClinVar aggregate classification (germline): Uncertain significance (1 of 4 stars; one submission).

Conditions:
Cardiovascular phenotype. Identifiers: MedGen CN230736.

Submission:

Ambry Genetics
Classification: Uncertain significance for Cardiovascular phenotype. Last evaluated: 2024-07-28. Review status: criteria provided, single submitter. Criteria: Ambry Variant Classification Scheme 2023. Collection method: clinical testing. Allele origin: germline.
Comment: The p.P117L variant (also known as c.350C>T), located in coding exon 1 of the ZNF469 gene, results from a C to T substitution at nucleotide position 350. The proline at codon 117 is replaced by leucine, an amino acid with similar properties. This amino acid position is conserved. In addition, this alteration is predicted to be tolerated by in silico analysis. Based on the available evidence, the clinical significance of this variant remains unclear.

NM_001367624.2(ZNF469):c.350C>T (p.Pro117Leu)

Gene: ZNF469 (zinc finger protein 469; plus strand). Cytogenetic location: 16q24.2.
Variant type: single nucleotide variant.
Coding change: c.350C>T on transcript NM_001367624.2 (MANE Select); coding-DNA position 350, C replaced by T.
Protein change: p.Pro117Leu; replaces proline 117 with leucine.
Molecular consequence: missense variant.
Genome position (GRCh38, 1-based): chr16:88,427,820, C>T. VCF-style: chr16-88427820-C-T. GRCh37 (hg19) VCF-style: chr16-88494228-C-T.
Other names: NM_001127464.1:c.350C>T; short protein forms P117L.
Identifiers: ClinVar variation 3476168 (VCV003476168.1).